The following is an entry in ClinVar:

ClinVar aggregate classification (germline): Likely benign. Review status: criteria provided, multiple submitters, no conflicts (2 of 4 stars). 3 submissions from 3 submitters: Likely benign (3). Last evaluated 2026-09-01.

Conditions:
Fanconi anemia (FA). Also called: Fanconi's anemia. Identifiers: Orphanet 84, MedGen C0015625, MeSH D005199, MONDO:0019391.

Allele frequency attached by ClinVar (database versions not stated): ExAC 0.00004; gnomAD exomes 0.00004 and 0.00002; gnomAD 0.00001; TOPMed 0.00002.
gnomAD v4.1: 33 of 1,605,434 alleles (0.0021%); highest among the groups gnomAD compares: South Asian, 0.0078%; no homozygotes.

Submissions (3):

CeGaT Center for Human Genetics Tuebingen
Classification: Likely benign. Last evaluated: 2026-09-01. Review status: criteria provided, single submitter. Criteria: CeGaT Center For Human Genetics Tuebingen Variant Classification Criteria Version 2. Collection method: clinical testing. Allele origin: germline. Affected: yes. Observed: 1 variant allele.
Comment: SLX4: BP4, BP7

Labcorp Genetics (formerly Invitae), Labcorp
Classification: Likely benign for Fanconi anemia. Last evaluated: 2023-09-27. Review status: criteria provided, single submitter. Criteria: Invitae Variant Classification Sherloc (09022015). Collection method: clinical testing. Allele origin: germline.

Blueprint Genetics
Classification: Likely benign. Last evaluated: 2019-11-13. Review status: criteria provided, single submitter. Criteria: ACMG Guidelines, 2015. Collection method: clinical testing. Allele origin: germline.

NM_032444.4(SLX4):c.4386C>T (p.Ala1462=)

Gene: SLX4 (SLX4 structure-specific endonuclease subunit; minus strand). Cytogenetic location: 16p13.3.
Variant type: single nucleotide variant.
Coding change: c.4386C>T on transcript NM_032444.4 (MANE Select); coding-DNA position 4386, C replaced by T.
Protein change: p.Ala1462=; no amino-acid change (alanine 1462 retained).
Molecular consequence: synonymous variant.
Genome position (GRCh38, 1-based): chr16:3,589,252, G>A on the plus strand (C>T on the coding strand, the complement: SLX4 is on the minus strand). VCF-style: chr16-3589252-G-A. GRCh37 (hg19) VCF-style: chr16-3639253-G-A.
Identifiers: ClinVar variation 1107561 (VCV001107561.11), dbSNP rs747185125, ClinGen allele CA7865663.